The following is an entry in ClinVar:

NM_001378452.1(ITPR1):c.4394T>C (p.Val1465Ala)

Gene: ITPR1 (inositol 1,4,5-trisphosphate receptor type 1; plus strand). Cytogenetic location: 3p26.1.
Variant type: single nucleotide variant.
Coding change: c.4394T>C on transcript NM_001378452.1 (MANE Select); coding-DNA position 4394, T replaced by C.
Protein change: p.Val1465Ala; replaces valine 1465 with alanine.
Molecular consequence: missense variant.
Genome position (GRCh38, 1-based): chr3:4,697,259, T>C. VCF-style: chr3-4697259-T-C. GRCh37 (hg19) VCF-style: chr3-4738943-T-C.
Other names: c.4367T>C, p.Val1456Ala (NM_001099952.4); c.4349T>C, p.Val1450Ala (NM_001168272.2); c.4322T>C, p.Val1441Ala (NM_002222.7); short protein forms V1441A, V1465A, V1450A, V1456A.
Identifiers: ClinVar variation 4763436 (VCV004763436.1).

ClinVar aggregate classification (germline): Uncertain significance (1 of 4 stars; one submission).

gnomAD v4.1: 2 of 1,558,300 alleles (0.00013%); highest among the groups gnomAD compares: Non-Finnish European, 0.00017%; no homozygotes.

Submission:

Labcorp Genetics (formerly Invitae), Labcorp
Classification: Uncertain significance. Last evaluated: 2025-04-17. Review status: criteria provided, single submitter. Criteria: Invitae Variant Classification Sherloc (09022015). Collection method: clinical testing. Allele origin: germline.
Comment: This sequence change replaces valine, which is neutral and non-polar, with alanine, which is neutral and non-polar, at codon 1441 of the ITPR1 protein (p.Val1441Ala). This variant is not present in population databases (gnomAD no frequency). This variant has not been reported in the literature in individuals affected with ITPR1-related conditions. Invitae Evidence Modeling of protein sequence and biophysical properties (such as structural, functional, and spatial information, amino acid conservation, physicochemical variation, residue mobility, and thermodynamic stability) indicates that this missense variant is not expected to disrupt ITPR1 protein function with a negative predictive value of 95%. In summary, the available evidence is currently insufficient to determine the role of this variant in disease. Therefore, it has been classified as a Variant of Uncertain Significance.